The following is an entry in ClinVar:

NM_024642.5(GALNT12):c.142G>A (p.Ala48Thr)

Gene: GALNT12 (polypeptide N-acetylgalactosaminyltransferase 12; plus strand). Cytogenetic location: 9q22.33.
Variant type: single nucleotide variant.
Coding change: c.142G>A on transcript NM_024642.5 (MANE Select); coding-DNA position 142, G replaced by A.
Protein change: p.Ala48Thr; replaces alanine 48 with threonine.
Molecular consequence: missense variant.
Genome position (GRCh38, 1-based): chr9:98,807,840, G>A. VCF-style: chr9-98807840-G-A. GRCh37 (hg19) VCF-style: chr9-101570122-G-A.
Other names: short protein forms A48T.
Identifiers: ClinVar variation 1772472 (VCV001772472.3), dbSNP rs1443700648, ClinGen allele CA374222390.

ClinVar aggregate classification (germline): Uncertain significance. Review status: criteria provided, multiple submitters, no conflicts (2 of 4 stars). 2 submissions from 2 submitters: Uncertain significance (2). Last evaluated 2025-05-28.

Allele frequency attached by ClinVar (database versions not stated): TOPMed 0.00001.

Submissions (2):

Quest Diagnostics Nichols Institute San Juan Capistrano
Classification: Uncertain significance. Last evaluated: 2025-05-28. Review status: criteria provided, single submitter. Criteria: Quest Diagnostics criteria. Collection method: clinical testing. Allele origin: unknown.
Comment: The GALNT12 c.142G>A (p.Ala48Thr) variant has not been reported in individuals with GALNT12-related conditions in the published literature. It also has not been reported in large, multi-ethnic general populations (Genome Aggregation Database). Analysis of this variant using bioinformatics tools for the prediction of the effect of amino acid changes on protein structure and function yielded predictions that this variant is benign. Based on the available information, we are unable to determine the clinical significance of this variant.

Ambry Genetics
Classification: Uncertain significance. Last evaluated: 2021-10-06. Review status: criteria provided, single submitter. Criteria: Ambry Variant Classification Scheme 2023. Collection method: clinical testing. Allele origin: germline.
Comment: The p.A48T variant (also known as c.142G>A), located in coding exon 1 of the GALNT12 gene, results from a G to A substitution at nucleotide position 142. The alanine at codon 48 is replaced by threonine, an amino acid with similar properties. This amino acid position is conserved. In addition, this alteration is predicted to be tolerated by in silico analysis. Since supporting evidence is limited at this time, the clinical significance of this alteration remains unclear.